The following is an entry in ClinVar:

ClinVar aggregate classification (germline): Uncertain significance (1 of 4 stars; one submission).

Allele frequency attached by ClinVar (database versions not stated): gnomAD exomes below 0.00001; ExAC 0.00001; TOPMed 0.00001; ESP Exome Variant Server 0.00008.
gnomAD v4.1: 2 of 1,614,054 alleles (0.00012%); highest among the groups gnomAD compares: Non-Finnish European, 0.000085%; no homozygotes.

Submission:

Labcorp Genetics (formerly Invitae), Labcorp
Classification: Uncertain significance. Last evaluated: 2020-12-31. Review status: criteria provided, single submitter. Criteria: Invitae Variant Classification Sherloc (09022015). Collection method: clinical testing. Allele origin: germline.
Comment: This sequence change replaces alanine with valine at codon 1061 of the KANK1 protein (p.Ala1061Val). The alanine residue is highly conserved and there is a small physicochemical difference between alanine and valine. This variant is present in population databases (rs372139160, ExAC 0.001%). This variant has not been reported in the literature in individuals with KANK1-related conditions. Algorithms developed to predict the effect of missense changes on protein structure and function output the following: SIFT: "Deleterious"; PolyPhen-2: "Benign"; Align-GVGD: "Class C0". The valine amino acid residue is found in multiple mammalian species, suggesting that this missense change does not adversely affect protein function. These predictions have not been confirmed by published functional studies and their clinical significance is uncertain. In summary, the available evidence is currently insufficient to determine the role of this variant in disease. Therefore, it has been classified as a Variant of Uncertain Significance.

NM_015158.5(KANK1):c.3182C>T (p.Ala1061Val)

Gene: KANK1 (KN motif and ankyrin repeat domains 1; plus strand). Cytogenetic location: 9p24.3.
Variant type: single nucleotide variant.
Coding change: c.3182C>T on transcript NM_015158.5 (MANE Select); coding-DNA position 3182, C replaced by T.
Protein change: p.Ala1061Val; replaces alanine 1061 with valine.
Molecular consequence: missense variant. On other transcripts: intron variant (5).
Genome position (GRCh38, 1-based): chr9:732,554, C>T. VCF-style: chr9-732554-C-T. GRCh37 (hg19) VCF-style: chr9-732554-C-T.
Other names: c.3182C>T, p.Ala1061Val (NM_001256876.3, NM_001256877.3, NM_001354334.2); c.3128C>T, p.Ala1043Val (NM_001354332.2); c.2708C>T, p.Ala903Val (NM_001354333.2, NM_001354335.2, NM_001354337.2 and 2 more transcripts); c.2654C>T, p.Ala885Val (NM_001354338.2, NM_001354340.2, NM_001354344.2); c.3005+1288C>T (NM_001354331.2); c.2477+1288C>T (NM_001354336.2); c.2531+1288C>T (NM_001354339.2, NM_001354343.2, NM_001354342.2); short protein forms A1043V, A1061V, A885V, A903V.
Identifiers: ClinVar variation 1022663 (VCV001022663.8), dbSNP rs372139160, ClinGen allele CA4960796.